The following is an entry in ClinVar:

NM_001378454.1(ALMS1):c.6745A>T (p.Ile2249Phe)

Gene: ALMS1 (ALMS1 centrosome and basal body associated protein; plus strand). Cytogenetic location: 2p13.1.
Variant type: single nucleotide variant.
Coding change: c.6745A>T on transcript NM_001378454.1 (MANE Select); coding-DNA position 6745, A replaced by T.
Protein change: p.Ile2249Phe; replaces isoleucine 2249 with phenylalanine.
Molecular consequence: missense variant.
Genome position (GRCh38, 1-based): chr2:73,453,272, A>T. VCF-style: chr2-73453272-A-T. GRCh37 (hg19) VCF-style: chr2-73680399-A-T.
Other names: c.6748A>T, p.Ile2250Phe (NM_015120.4); short protein forms I2249F, I2250F.
Identifiers: ClinVar variation 1432192 (VCV001432192.9), dbSNP rs946232848, ClinGen allele CA50398035.

ClinVar aggregate classification (germline): Uncertain significance. Review status: criteria provided, multiple submitters, no conflicts (2 of 4 stars). 3 submissions from 3 submitters: Uncertain significance (3). Last evaluated 2025-12-22.

Conditions:
Cardiovascular phenotype. Identifiers: MedGen CN230736.
Alstrom syndrome (ALMS). Identifiers: Orphanet 64, MedGen C0268425, MONDO:0008763, OMIM 203800.

Allele frequency attached by ClinVar (database versions not stated): gnomAD exomes below 0.00001; TOPMed 0.00001.
gnomAD v4.1: 2 of 1,614,000 alleles (0.00012%); highest among the groups gnomAD compares: African/African-American, 0.0027%; no homozygotes.

Submissions (3):

Ambry Genetics
Classification: Uncertain significance for Cardiovascular phenotype. Last evaluated: 2025-12-22. Review status: criteria provided, single submitter. Criteria: Ambry Variant Classification Scheme 2023. Collection method: clinical testing. Allele origin: germline.
Comment: The p.I2250F variant (also known as c.6748A>T), located in coding exon 8 of the ALMS1 gene, results from an A to T substitution at nucleotide position 6748. The isoleucine at codon 2250 is replaced by phenylalanine, an amino acid with highly similar properties. This amino acid position is not well conserved in available vertebrate species. In addition, this alteration is predicted to be tolerated by in silico analysis. Based on the available evidence, the clinical significance of this variant remains unclear.

Labcorp Genetics (formerly Invitae), Labcorp
Classification: Uncertain significance for Alstrom syndrome. Last evaluated: 2024-04-20. Review status: criteria provided, single submitter. Criteria: Invitae Variant Classification Sherloc (09022015). Collection method: clinical testing. Allele origin: germline.
Comment: This sequence change replaces isoleucine, which is neutral and non-polar, with phenylalanine, which is neutral and non-polar, at codon 2250 of the ALMS1 protein (p.Ile2250Phe). This variant is present in population databases (no rsID available, gnomAD 0.007%). This variant has not been reported in the literature in individuals affected with ALMS1-related conditions. ClinVar contains an entry for this variant (Variation ID: 1432192). Experimental studies and prediction algorithms are not available or were not evaluated, and the functional significance of this variant is currently unknown. In summary, the available evidence is currently insufficient to determine the role of this variant in disease. Therefore, it has been classified as a Variant of Uncertain Significance.

Fulgent Genetics
Classification: Uncertain significance for Alstrom syndrome. Last evaluated: 2021-08-26. Review status: criteria provided, single submitter. Criteria: ACMG Guidelines, 2015. Collection method: clinical testing. Allele origin: unknown.